The following is an entry in ClinVar:

NM_001298.3(CNGA3):c.1647G>T (p.Glu549Asp)

Gene: CNGA3 (cyclic nucleotide gated channel subunit alpha 3; plus strand). Cytogenetic location: 2q11.2.
Variant type: single nucleotide variant.
Coding change: c.1647G>T on transcript NM_001298.3 (MANE Select); coding-DNA position 1647, G replaced by T.
Protein change: p.Glu549Asp; replaces glutamic acid 549 with aspartic acid.
Molecular consequence: missense variant.
Genome position (GRCh38, 1-based): chr2:98,396,817, G>T. VCF-style: chr2-98396817-G-T. GRCh37 (hg19) VCF-style: chr2-99013280-G-T.
Other names: c.1593G>T, p.Glu531Asp (NM_001079878.2); short protein forms E531D, E549D.
Identifiers: ClinVar variation 1491661 (VCV001491661.8), dbSNP rs1692929565, ClinGen allele CA347833993.

ClinVar aggregate classification (germline): Uncertain significance (1 of 4 stars; one submission).

Submission:

Labcorp Genetics (formerly Invitae), Labcorp
Classification: Uncertain significance. Last evaluated: 2021-05-19. Review status: criteria provided, single submitter. Criteria: Invitae Variant Classification Sherloc (09022015). Collection method: clinical testing. Allele origin: germline.
Comment: In summary, the available evidence is currently insufficient to determine the role of this variant in disease. Therefore, it has been classified as a Variant of Uncertain Significance. Advanced modeling of protein sequence and biophysical properties (such as structural, functional, and spatial information, amino acid conservation, physicochemical variation, residue mobility, and thermodynamic stability) performed at Invitae indicates that this missense variant is expected to disrupt CNGA3 protein function. This variant has not been reported in the literature in individuals with CNGA3-related conditions. This variant is not present in population databases (ExAC no frequency). This sequence change replaces glutamic acid with aspartic acid at codon 549 of the CNGA3 protein (p.Glu549Asp). The glutamic acid residue is highly conserved and there is a small physicochemical difference between glutamic acid and aspartic acid.